The following is an entry in ClinVar:

NM_005215.4(DCC):c.3824C>G (p.Pro1275Arg)

Gene: DCC (DCC netrin 1 receptor; plus strand). Cytogenetic location: 18q21.2.
Variant type: single nucleotide variant.
Coding change: c.3824C>G on transcript NM_005215.4 (MANE Select); coding-DNA position 3824, C replaced by G.
Protein change: p.Pro1275Arg; replaces proline 1275 with arginine.
Molecular consequence: missense variant.
Genome position (GRCh38, 1-based): chr18:53,486,884, C>G. VCF-style: chr18-53486884-C-G. GRCh37 (hg19) VCF-style: chr18-51013254-C-G.
Other names: short protein forms P1275R.
Identifiers: ClinVar variation 2648730 (VCV002648730.24), dbSNP rs779572042, ClinGen allele CA402518530.

ClinVar aggregate classification (germline): Uncertain significance (1 of 4 stars; one submission).

gnomAD v4.1: 1 of 1,614,162 alleles (0.000062%); highest among the groups gnomAD compares: Non-Finnish European, 0.000085%; no homozygotes.

Submission:

CeGaT Center for Human Genetics Tuebingen
Classification: Uncertain significance. Last evaluated: 2022-06-01. Review status: criteria provided, single submitter. Criteria: CeGaT Center For Human Genetics Tuebingen Variant Classification Criteria Version 2. Collection method: clinical testing. Allele origin: germline. Affected: yes. Observed: 1 variant allele.
Comment: DCC: PM2